The following is an entry in ClinVar:

NM_001130438.3(SPTAN1):c.5519C>A (p.Thr1840Asn)

Gene: SPTAN1 (spectrin alpha, non-erythrocytic 1; plus strand). Cytogenetic location: 9q34.11.
Variant type: single nucleotide variant.
Coding change: c.5519C>A on transcript NM_001130438.3 (MANE Select); coding-DNA position 5519, C replaced by A.
Protein change: p.Thr1840Asn; replaces threonine 1840 with asparagine.
Molecular consequence: missense variant.
Genome position (GRCh38, 1-based): chr9:128,618,027, C>A. VCF-style: chr9-128618027-C-A. GRCh37 (hg19) VCF-style: chr9-131380306-C-A.
Other names: c.5444C>A, p.Thr1815Asn (NM_001195532.2); c.5519C>A, p.Thr1840Asn (NM_001363759.2, NM_001375310.1, NM_001375311.2 and 1 more transcripts); c.5459C>A, p.Thr1820Asn (NM_001363765.2, NM_001375314.2); c.5555C>A, p.Thr1852Asn (NM_001375312.2, NM_001375318.1); c.5504C>A, p.Thr1835Asn (NM_003127.4); short protein forms T1815N, T1835N, T1852N, T1820N, T1840N.
Identifiers: ClinVar variation 3679491 (VCV003679491.2).
Genomic context (GRCh38, chr9:128,618,027, plus strand): 5'-TCCTCGTCCTTGCCTGTCAGGGTGTCCTGGACACTGGCAAGAAGCTGTCCGATGACAACA[C>A]CATCGGGAAAGAGGAGATCCAGCAGCGGCTGGCGCAGTTTGTGGAGCACTGGAAAGAGCT-3'
Protein context (NP_001123910.1, residues 1830-1850): DTGKKLSDDN[Thr1840Asn]IGKEEIQQRL

ClinVar aggregate classification (germline): Uncertain significance (1 of 4 stars; one submission).

Conditions:
Early-infantile DEE. Also called: Ohtahara syndrome; Early infantile epileptic encephalopathy with suppression bursts; Early infantile epileptic encephalopathy. Identifiers: Orphanet 1934, MedGen C0393706, MONDO:0800491.

gnomAD v4.1: 1 of 1,613,956 alleles (0.000062%); highest among the groups gnomAD compares: Non-Finnish European, 0.000085%; no homozygotes.

Submission:

Labcorp Genetics (formerly Invitae), Labcorp
Classification: Uncertain significance for Early-infantile DEE. Last evaluated: 2024-08-13. Review status: criteria provided, single submitter. Criteria: Invitae Variant Classification Sherloc (09022015). Collection method: clinical testing. Allele origin: germline.
Comment: This sequence change replaces threonine, which is neutral and polar, with asparagine, which is neutral and polar, at codon 1840 of the SPTAN1 protein (p.Thr1840Asn). This variant is not present in population databases (gnomAD no frequency). This variant has not been reported in the literature in individuals affected with SPTAN1-related conditions. Invitae Evidence Modeling of protein sequence and biophysical properties (such as structural, functional, and spatial information, amino acid conservation, physicochemical variation, residue mobility, and thermodynamic stability) has been performed for this missense variant. However, the output from this modeling did not meet the statistical confidence thresholds required to predict the impact of this variant on SPTAN1 protein function. In summary, the available evidence is currently insufficient to determine the role of this variant in disease. Therefore, it has been classified as a Variant of Uncertain Significance.